The following is an entry in ClinVar:

ClinVar aggregate classification (germline): Likely pathogenic (1 of 4 stars; one submission).

Conditions:
Hereditary breast ovarian cancer syndrome. Also called: Hereditary breast and ovarian cancer syndrome (HBOC); Hereditary breast and ovarian cancer; BRCA1- and BRCA2-Associated Hereditary Breast and Ovarian Cancer; Breast and ovarian cancer; Hereditary breast and ovarian cancer syndrome; Hereditary breast and/or ovarian cancer syndrome. Identifiers: Orphanet 145, MedGen C0677776, MeSH D061325, MONDO:0003582. Disease mechanism: loss of function.

Submissions (2):

Labcorp Genetics (formerly Invitae), Labcorp
Classification: Likely pathogenic for Hereditary breast ovarian cancer syndrome. Last evaluated: 2019-03-06. Review status: criteria provided, single submitter. Criteria: Invitae Variant Classification Sherloc (09022015). Collection method: clinical testing. Allele origin: germline.
Comment: This variant disrupts the p.Cys44 amino acid residue in BRCA1. Other variant(s) that disrupt this residue have been determined to be pathogenic (PMID: 19543972, 27083775, 21922593, 25823446, 23633455, 18159056, 25777348, 16267036, 30209399). This suggests that this residue is clinically-significant, and that variants that disrupt this residue are likely to be disease-causing. This sequence change replaces cysteine with tryptophan at codon 44 of the BRCA1 protein (p.Cys44Trp). The cysteine residue is highly conserved and there is a large physicochemical difference between cysteine and tryptophan. This variant is not present in population databases (ExAC no frequency). This variant has not been reported in the literature in individuals with BRCA1-related disease. This variant affects the highly conserved Cys44 residue within the N-terminal RING domain of the BRCA1 protein (PMID: 22843421). This variant has been reported to affect BRCA1 protein function (PMID: 30209399). In summary, the currently available evidence indicates that the variant is pathogenic, but additional data are needed to prove that conclusively. Therefore, this variant has been classified as Likely Pathogenic.

Brotman Baty Institute, University of Washington
No classification provided (evidence only). Condition: Breast-ovarian cancer, familial 1. Review status: no classification provided. Collection method: in vitro. Allele origin: not applicable. Functional consequence: functionally_abnormal. Not counted in ClinVar's aggregate classification.
ClinVar note: "not provided" was previously submitted as the classification for the variant. However, the classification appeared to be based only on an observation of functional data so it was converted to no classification on 2025-07-30.

Literature cited by the submitters: PubMed 19543972 (cited by Labcorp Genetics (formerly Invitae), Labcorp); PubMed 27083775 (cited by Labcorp Genetics (formerly Invitae), Labcorp); PubMed 21922593 (cited by Labcorp Genetics (formerly Invitae), Labcorp); PubMed 25823446 (cited by Labcorp Genetics (formerly Invitae), Labcorp); PubMed 23633455 (cited by Labcorp Genetics (formerly Invitae), Labcorp); PubMed 18159056 (cited by Labcorp Genetics (formerly Invitae), Labcorp); PubMed 25777348 (cited by Labcorp Genetics (formerly Invitae), Labcorp); PubMed 16267036 (cited by Labcorp Genetics (formerly Invitae), Labcorp); PubMed 30209399 (cited by Labcorp Genetics (formerly Invitae), Labcorp); PubMed 22843421 (cited by Labcorp Genetics (formerly Invitae), Labcorp).

NM_007294.4(BRCA1):c.132C>G (p.Cys44Trp)

Gene: BRCA1 (BRCA1 DNA repair associated; minus strand). Cytogenetic location: 17q21.31.
Variant type: single nucleotide variant.
Coding change: c.132C>G on transcript NM_007294.4 (MANE Select); coding-DNA position 132, C replaced by G.
Protein change: p.Cys44Trp; replaces cysteine 44 with tryptophan.
Molecular consequence: missense variant. On other transcripts: non-coding transcript variant (1), intron variant (1).
Genome position (GRCh38, 1-based): chr17:43,115,728, G>C on the plus strand (C>G on the coding strand, the complement: BRCA1 is on the minus strand). VCF-style: chr17-43115728-G-C. GRCh37 (hg19) VCF-style: chr17-41267745-G-C.
Other names: c.-57C>G (NM_001407953.1, NM_001407954.1, NM_001407955.1 and 52 more transcripts); c.-172C>G (NM_001407960.1, NM_001407962.1, NM_001408510.1 and 1 more transcripts); c.-10C>G (NM_001407964.1, NM_001408410.1, NM_001408452.1 and 47 more transcripts); c.-288C>G (NM_001407965.1); c.132C>G, p.Cys44Trp (NM_001407968.1, NM_001407969.1, NM_001407970.1 and 192 more transcripts); c.-126C>G (NM_001408455.1, NM_001408456.1, NM_001408468.1 and 13 more transcripts); c.-130C>G (NM_001408465.1, NM_001407695.1); c.-173C>G (NM_001408492.1, NM_001407889.1, NM_001407900.1); and 1 more; short protein forms C44W.
Identifiers: ClinVar variation 647970 (VCV000647970.12), dbSNP rs876658362, ClinGen allele CA10601895.